The following is an entry in ClinVar:

ClinVar aggregate classification (germline): Uncertain significance (1 of 4 stars; one submission).

Conditions:
Werner syndrome (WRN). Identifiers: Orphanet 902, MedGen C0043119, MONDO:0010196, OMIM 277700.

Submission:

Labcorp Genetics (formerly Invitae), Labcorp
Classification: Uncertain significance for Werner syndrome. Last evaluated: 2022-09-01. Review status: criteria provided, single submitter. Criteria: Invitae Variant Classification Sherloc (09022015). Collection method: clinical testing. Allele origin: germline.
Comment: This sequence change replaces asparagine, which is neutral and polar, with serine, which is neutral and polar, at codon 1197 of the WRN protein (p.Asn1197Ser). This variant is not present in population databases (gnomAD no frequency). This variant has not been reported in the literature in individuals affected with WRN-related conditions. ClinVar contains an entry for this variant (Variation ID: 839487). Algorithms developed to predict the effect of missense changes on protein structure and function output the following: SIFT: "Not Available"; PolyPhen-2: "Benign"; Align-GVGD: "Not Available". The serine amino acid residue is found in multiple mammalian species, which suggests that this missense change does not adversely affect protein function. In summary, the available evidence is currently insufficient to determine the role of this variant in disease. Therefore, it has been classified as a Variant of Uncertain Significance.

NM_000553.6(WRN):c.3590A>G (p.Asn1197Ser)

Gene: WRN (WRN RecQ like helicase; plus strand). Cytogenetic location: 8p12.
Variant type: single nucleotide variant.
Coding change: c.3590A>G on transcript NM_000553.6 (MANE Select); coding-DNA position 3590, A replaced by G.
Protein change: p.Asn1197Ser; replaces asparagine 1197 with serine.
Molecular consequence: missense variant.
Genome position (GRCh38, 1-based): chr8:31,150,358, A>G. VCF-style: chr8-31150358-A-G. GRCh37 (hg19) VCF-style: chr8-31007874-A-G.
Other names: short protein forms N1197S.
Identifiers: ClinVar variation 839487 (VCV000839487.4), dbSNP rs1803072234, ClinGen allele CA370927366.